The following is an entry in ClinVar:

ClinVar aggregate classification (germline): Uncertain significance (1 of 4 stars; one submission).

Allele frequency attached by ClinVar (database versions not stated): gnomAD exomes below 0.00001.
gnomAD v4.1: 1 of 1,614,038 alleles (0.000062%); highest among the groups gnomAD compares: Non-Finnish European, 0.000085%; no homozygotes.

Submission:

Labcorp Genetics (formerly Invitae), Labcorp
Classification: Uncertain significance. Last evaluated: 2022-08-16. Review status: criteria provided, single submitter. Criteria: Invitae Variant Classification Sherloc (09022015). Collection method: clinical testing. Allele origin: germline.
Comment: This variant has not been reported in the literature in individuals affected with ACBD5-related conditions. This variant is present in population databases (no rsID available, gnomAD 0.0009%). This sequence change replaces glycine, which is neutral and non-polar, with serine, which is neutral and polar, at codon 61 of the ACBD5 protein (p.Gly61Ser). This variant also falls at the last nucleotide of exon 2, which is part of the consensus splice site for this exon. ClinVar contains an entry for this variant (Variation ID: 1469004). In summary, the available evidence is currently insufficient to determine the role of this variant in disease. Therefore, it has been classified as a Variant of Uncertain Significance. Variants that disrupt the consensus splice site are a relatively common cause of aberrant splicing (PMID: 17576681, 9536098). Algorithms developed to predict the effect of sequence changes on RNA splicing suggest that this variant may disrupt the consensus splice site. Algorithms developed to predict the effect of missense changes on protein structure and function (SIFT, PolyPhen-2, Align-GVGD) all suggest that this variant is likely to be disruptive.

Literature cited by the submitters: PubMed 17576681; PubMed 9536098.

NM_145698.5(ACBD5):c.181G>A (p.Gly61Ser)

Genes: ACBD5 (acyl-CoA binding domain containing 5; minus strand), LOC130003557 (ATAC-STARR-seq lymphoblastoid active region 3182; plus strand). Cytogenetic location: 10p12.1.
Variant type: single nucleotide variant.
Coding change: c.181G>A on transcript NM_145698.5 (MANE Select); coding-DNA position 181, G replaced by A.
Protein change: p.Gly61Ser; replaces glycine 61 with serine.
Molecular consequence: missense variant. On other transcripts: 5 prime UTR variant (7).
Genome position (GRCh38, 1-based): chr10:27,240,319, C>T on the plus strand (G>A on the coding strand, the complement: ACBD5 is on the minus strand). VCF-style: chr10-27240319-C-T. GRCh37 (hg19) VCF-style: chr10-27529248-C-T.
Other names: c.76G>A, p.Gly26Ser (NM_001352576.2, NM_001352577.2, NM_001352578.2 and 6 more transcripts); c.181G>A, p.Gly61Ser (NM_001352581.1, NM_001352588.1, NM_001352569.1 and 2 more transcripts); c.-26G>A (NM_001352583.1, NM_001352584.1, NM_001352585.1 and 4 more transcripts); c.175G>A, p.Gly59Ser (NM_001352586.1, NM_001352587.1, NM_001271512.3 and 1 more transcripts); c.202G>A, p.Gly68Ser (NM_001352568.1, NM_001352572.1); short protein forms G59S, G61S, G26S, G68S.
Identifiers: ClinVar variation 1469004 (VCV001469004.5), dbSNP rs1190520475, ClinGen allele CA376378574.
Genomic context (GRCh38, chr10:27,240,319, plus strand): 5'-GAAAGGGGGCTTTGGGGCTCTCTGCAGGAGGCGTCTACAGCCGGGGCCCAGCGCACGTAC[C>T]ATTCTTCGGCAAACTCTGGATCACCTTCACGGCCGCCTCAAACCTAGTCTCGTGCACGGA-3'
Protein context (NP_663736.2, residues 51-71): VKVIQSLPKN[Gly61Ser]SFQPTNEMML